The following is an entry in ClinVar:

NM_153252.5(BRWD3):c.371C>G (p.Ala124Gly)

Gene: BRWD3 (bromodomain and WD repeat domain containing 3; minus strand). Cytogenetic location: Xq21.1.
Variant type: single nucleotide variant.
Coding change: c.371C>G on transcript NM_153252.5 (MANE Select); coding-DNA position 371, C replaced by G.
Protein change: p.Ala124Gly; replaces alanine 124 with glycine.
Molecular consequence: missense variant.
Genome position (GRCh38, 1-based): chrX:80,791,913, G>C on the plus strand (C>G on the coding strand, the complement: BRWD3 is on the minus strand). VCF-style: chrX-80791913-G-C. GRCh37 (hg19) VCF-style: chrX-80047412-G-C.
Other names: short protein forms A124G.
Identifiers: ClinVar variation 1307250 (VCV001307250.2), dbSNP rs2147854931, ClinGen allele CA413612532.

ClinVar aggregate classification (germline): Uncertain significance (1 of 4 stars; one submission).

Submission:

GeneDx
Classification: Uncertain significance. Last evaluated: 2019-07-23. Review status: criteria provided, single submitter. Criteria: GeneDx Variant Classification Process June 2021. Collection method: clinical testing. Allele origin: germline. Affected: yes.
Comment: Not observed in large population cohorts (Lek et al., 2016); In silico analysis, which includes protein predictors and evolutionary conservation, supports a deleterious effect; Has not been previously published as pathogenic or benign to our knowledge